The following is an entry in ClinVar:

ClinVar aggregate classification (germline): Likely benign. Review status: criteria provided, multiple submitters, no conflicts (2 of 4 stars). 4 submissions from 4 submitters: Likely benign (2). 2 of the submissions do not count toward it. Last evaluated 2018-06-19.

Allele frequency attached by ClinVar (database versions not stated): 1000 Genomes Project 0.00899; TOPMed 0.01389; gnomAD 0.01505 and 0.01559; 1000 Genomes Project 30x 0.00921; gnomAD exomes 0.01451; ExAC 0.01846; ESP Exome Variant Server 0.01503.
gnomAD v4.1: 28,105 of 1,565,810 alleles (1.8%); highest among the groups gnomAD compares: Non-Finnish European, 2.1%; 280 homozygotes.

Submissions (4):

GeneDx
Classification: Likely benign. Last evaluated: 2018-06-19. Review status: criteria provided, single submitter. Criteria: GeneDx Variant Classification (06012015). Collection method: clinical testing. Allele origin: germline. Affected: yes.
Comment: This variant is considered likely benign or benign based on one or more of the following criteria: it is a conservative change, it occurs at a poorly conserved position in the protein, it is predicted to be benign by multiple in silico algorithms, and/or has population frequency not consistent with disease.

Breakthrough Genomics
Classification: Likely benign. Review status: criteria provided, single submitter. Criteria: ACMG Guidelines, 2015. Collection method: not provided. Allele origin: germline. Inheritance: Autosomal dominant inheritance. Affected: yes.

Clinical Genetics DNA and cytogenetics Diagnostics Lab, Erasmus MC, Erasmus Medical Center
Classification: Benign. Review status: no assertion criteria provided. Collection method: clinical testing. Allele origin: germline. Affected: yes. Study: VKGL Data-share Consensus. Not counted in ClinVar's aggregate classification.

Joint Genome Diagnostic Labs from Nijmegen and Maastricht, Radboudumc and MUMC+
Classification: Benign. Review status: no assertion criteria provided. Collection method: clinical testing. Allele origin: germline. Affected: yes. Study: VKGL Data-share Consensus. Not counted in ClinVar's aggregate classification.

NM_000256.3(MYBPC3):c.1897+47G>A

Gene: MYBPC3 (myosin binding protein C3; minus strand). Cytogenetic location: 11p11.2.
Variant type: single nucleotide variant.
Coding change: c.1897+47G>A on transcript NM_000256.3 (MANE Select); 47 bases into the intron after coding-DNA position 1897, G replaced by A.
Molecular consequence: intron variant.
Genome position (GRCh38, 1-based): chr11:47,341,091, C>T on the plus strand (G>A on the coding strand, the complement: MYBPC3 is on the minus strand). VCF-style: chr11-47341091-C-T. GRCh37 (hg19) VCF-style: chr11-47362642-C-T.
Identifiers: ClinVar variation 188559 (VCV000188559.5), dbSNP rs11570086, ClinGen allele CA011437.